The following is an entry in ClinVar:

NM_001710.6(CFB):c.1343A>G (p.Asn448Ser)

Gene: CFB (complement factor B; plus strand). Cytogenetic location: 6p21.33.
Variant type: single nucleotide variant.
Coding change: c.1343A>G on transcript NM_001710.6 (MANE Select); coding-DNA position 1343, A replaced by G.
Protein change: p.Asn448Ser; replaces asparagine 448 with serine.
Molecular consequence: missense variant.
Genome position (GRCh38, 1-based): chr6:31,949,492, A>G. VCF-style: chr6-31949492-A-G. GRCh37 (hg19) VCF-style: chr6-31917269-A-G.
Other names: short protein forms N448S.
Identifiers: ClinVar variation 4776381 (VCV004776381.1).

ClinVar aggregate classification (germline): Uncertain significance (1 of 4 stars; one submission).

gnomAD v4.1: 5 of 1,613,996 alleles (0.00031%); highest among the groups gnomAD compares: South Asian, 0.0022%; no homozygotes.

Submission:

Labcorp Genetics (formerly Invitae), Labcorp
Classification: Uncertain significance. Last evaluated: 2025-11-19. Review status: criteria provided, single submitter. Criteria: Invitae Variant Classification Sherloc (09022015). Collection method: clinical testing. Allele origin: germline.
Comment: This sequence change replaces asparagine, which is neutral and polar, with serine, which is neutral and polar, at codon 448 of the CFB protein (p.Asn448Ser). This variant is present in population databases (no rsID available, gnomAD 0.003%). This variant has not been reported in the literature in individuals affected with CFB-related conditions. Invitae Evidence Modeling of protein sequence and biophysical properties (such as structural, functional, and spatial information, amino acid conservation, physicochemical variation, residue mobility, and thermodynamic stability) indicates that this missense variant is not expected to disrupt CFB protein function with a negative predictive value of 80%. In summary, the available evidence is currently insufficient to determine the role of this variant in disease. Therefore, it has been classified as a Variant of Uncertain Significance.